The following is an entry in ClinVar:

ClinVar aggregate classification (germline): Uncertain significance. Review status: criteria provided, multiple submitters, no conflicts (2 of 4 stars). 2 submissions from 2 submitters: Uncertain significance (2). Last evaluated 2026-06-15.

Conditions:
Hereditary cancer-predisposing syndrome. Also called: Tumor predisposition; Hereditary Cancer Syndrome; Hereditary neoplastic syndrome; Neoplastic Syndromes, Hereditary. Identifiers: Orphanet 140162, MedGen C0027672, MeSH D009386, MONDO:0015356.

Submissions (2):

Ambry Genetics
Classification: Uncertain significance for Hereditary cancer-predisposing syndrome. Last evaluated: 2026-06-15. Review status: criteria provided, single submitter. Criteria: Ambry Variant Classification Scheme 2023. Collection method: clinical testing. Allele origin: germline.
Comment: The p.V481I variant (also known as c.1441G>A), located in coding exon 9 of the MSH3 gene, results from a G to A substitution at nucleotide position 1441. The valine at codon 481 is replaced by isoleucine, an amino acid with highly similar properties. This amino acid position is conserved. In addition, this alteration is predicted to be tolerated by in silico analysis. Based on the available evidence, the clinical significance of this variant remains unclear.

Labcorp Genetics (formerly Invitae), Labcorp
Classification: Uncertain significance. Last evaluated: 2025-11-12. Review status: criteria provided, single submitter. Criteria: Invitae Variant Classification Sherloc (09022015). Collection method: clinical testing. Allele origin: germline.
Comment: This sequence change replaces valine, which is neutral and non-polar, with isoleucine, which is neutral and non-polar, at codon 481 of the MSH3 protein (p.Val481Ile). This variant is not present in population databases (gnomAD no frequency). This variant has not been reported in the literature in individuals affected with MSH3-related conditions. ClinVar contains an entry for this variant (Variation ID: 2056602). An algorithm developed to predict the effect of missense changes on protein structure and function outputs the following: PolyPhen-2: "Benign". The isoleucine amino acid residue is found in multiple mammalian species, which suggests that this missense change does not adversely affect protein function. In summary, the available evidence is currently insufficient to determine the role of this variant in disease. Therefore, it has been classified as a Variant of Uncertain Significance.

NM_002439.5(MSH3):c.1441G>A (p.Val481Ile)

Gene: MSH3 (mutS homolog 3; plus strand). Cytogenetic location: 5q14.1.
Variant type: single nucleotide variant.
Coding change: c.1441G>A on transcript NM_002439.5 (MANE Select); coding-DNA position 1441, G replaced by A.
Protein change: p.Val481Ile; replaces valine 481 with isoleucine.
Molecular consequence: missense variant.
Genome position (GRCh38, 1-based): chr5:80,725,553, G>A. VCF-style: chr5-80725553-G-A. GRCh37 (hg19) VCF-style: chr5-80021372-G-A.
Other names: c.1441G>A (NM_002439.3); short protein forms V481I.
Identifiers: ClinVar variation 2056602 (VCV002056602.5), dbSNP rs2112855558, ClinGen allele CA360273719.